The following is an entry in ClinVar:

ClinVar aggregate classification (germline): Uncertain significance (1 of 4 stars; one submission).

Submission:

GeneDx
Classification: Uncertain significance. Last evaluated: 2017-01-17. Review status: criteria provided, single submitter. Criteria: GeneDx Variant Classification (06012015). Collection method: clinical testing. Allele origin: germline. Affected: yes.
Comment: A variant of uncertain significance has been identified in the FBN1 gene. The c.8052-3 C>G variant has not been published as a pathogenic variant or been reported as a benign variant to our knowledge. The c.8052-3 C>G variant is not observed in large population cohorts (Lek et al., 2016; 1000 Genomes Consortium et al., 2015; Exome Variant Server). Although this substitution occurs at a nucleotide position that is not conserved, in silico splicing algorithms predict this variant destroys the natural splice acceptor site in intron 64 of the FBN1 gene. However, in the absence of functional mRNA studies, the physiological consequence of this variant on splicing cannot be precisely determined. Several other downstream splicing variants in the FBN1 gene have been reported in HGMD in association with Marfan syndrome/FBN1-related disorders; however, each of the reported downstream variants affects a canonical splice site (Stenson et al., 2014).

NM_000138.5(FBN1):c.8052-3C>G

Gene: FBN1 (fibrillin 1; minus strand). Cytogenetic location: 15q21.1.
Variant type: single nucleotide variant.
Coding change: c.8052-3C>G on transcript NM_000138.5 (MANE Select); 3 bases into the intron before coding-DNA position 8052, C replaced by G.
Molecular consequence: intron variant.
Genome position (GRCh38, 1-based): chr15:48,412,746, G>C on the plus strand (C>G on the coding strand, the complement: FBN1 is on the minus strand). VCF-style: chr15-48412746-G-C. GRCh37 (hg19) VCF-style: chr15-48704943-G-C.
Identifiers: ClinVar variation 392806 (VCV000392806.2), dbSNP rs1057524642, ClinGen allele CA16606943.